The following is an entry in ClinVar:

NM_201589.4(MAFA):c.802G>T (p.Ala268Ser)

Gene: MAFA (MAF bZIP transcription factor A; minus strand). Cytogenetic location: 8q24.3.
Variant type: single nucleotide variant.
Coding change: c.802G>T on transcript NM_201589.4 (MANE Select); coding-DNA position 802, G replaced by T.
Protein change: p.Ala268Ser; replaces alanine 268 with serine.
Molecular consequence: missense variant.
Genome position (GRCh38, 1-based): chr8:143,429,605, C>A on the plus strand (G>T on the coding strand, the complement: MAFA is on the minus strand). VCF-style: chr8-143429605-C-A. GRCh37 (hg19) VCF-style: chr8-144511775-C-A.
Other names: short protein forms A268S.
Identifiers: ClinVar variation 5000206 (VCV005000206.1).

ClinVar aggregate classification (germline): Uncertain significance (1 of 4 stars; one submission).

Conditions:
MAFA-related disorder. Also called: MAFA-related condition.

gnomAD v4.1: 1 of 1,600,232 alleles (0.000062%); highest among the groups gnomAD compares: Non-Finnish European, 0.000085%; no homozygotes.

Submission:

PreventionGenetics, part of Exact Sciences
Classification: Uncertain significance for MAFA-related condition. Last evaluated: 2025-06-03. Review status: criteria provided, single submitter. Criteria: ACMG Guidelines, 2015. Collection method: clinical testing. Allele origin: germline.
Comment: The MAFA c.802G>T variant is predicted to result in the amino acid substitution p.Ala268Ser. To our knowledge, this variant has not been reported in the literature or in a large population database (gnomAD), indicating this variant is rare. At this time, the clinical significance of this variant is uncertain due to the absence of conclusive functional and genetic evidence.